The following is an entry in ClinVar:

ClinVar aggregate classification (germline): Uncertain significance (1 of 4 stars; one submission).

Conditions:
Amelocerebrohypohidrotic syndrome (KTZS). Also called: Kohlschutter's syndrome; EPILEPSY AND YELLOW TEETH; EPILEPSY, DEMENTIA, AND AMELOGENESIS IMPERFECTA; KOHLSCHUTTER SYNDROME. Identifiers: Orphanet 1946, MedGen C0406740, MONDO:0009185, OMIM 226750.

Submission:

Centre for Mendelian Genomics, University Medical Centre Ljubljana
Classification: Uncertain significance for Amelocerebrohypohidrotic syndrome. Last evaluated: 2019-01-16. Review status: criteria provided, single submitter. Criteria: ACMG Guidelines, 2015. Collection method: clinical testing. Allele origin: unknown. Affected: yes.
Comment: This variant was classified as: Uncertain significance. The available evidence favors the pathogenic nature of this variant, however the currently available data is insufficient to conclusively support its pathogenic nature. Thus this variant is classified as Uncertain significance - favor pathogenic. The following ACMG criteria were applied in classifying this variant: PM2,BP1.

NM_024589.3(ROGDI):c.727C>G (p.His243Asp)

Gene: ROGDI (rogdi atypical leucine zipper; minus strand). Cytogenetic location: 16p13.3.
Variant type: single nucleotide variant.
Coding change: c.727C>G on transcript NM_024589.3 (MANE Select); coding-DNA position 727, C replaced by G.
Protein change: p.His243Asp; replaces histidine 243 with aspartic acid.
Molecular consequence: missense variant. On other transcripts: non-coding transcript variant (1).
Genome position (GRCh38, 1-based): chr16:4,797,809, G>C on the plus strand (C>G on the coding strand, the complement: ROGDI is on the minus strand). VCF-style: chr16-4797809-G-C. GRCh37 (hg19) VCF-style: chr16-4847810-G-C.
Other names: short protein forms H243D.
Identifiers: ClinVar variation 930997 (VCV000930997.3), dbSNP rs2082670659, ClinGen allele CA394648979.